The following is an entry in ClinVar:

ClinVar aggregate classification (germline): Likely benign. Review status: criteria provided, single submitter (1 of 4 stars). 2 submissions from 2 submitters: Likely benign (1). 1 of the submissions does not count toward it. Last evaluated 2024-11-26.

Conditions:
PMS1-related disorder. Also called: PMS1-related condition.

Submissions (2):

Blueprint Genetics
Classification: Likely benign. Last evaluated: 2024-11-26. Review status: criteria provided, single submitter. Criteria: ACMG Guidelines, 2015. Collection method: clinical testing. Allele origin: germline.

PreventionGenetics, part of Exact Sciences
Classification: Likely benign for PMS1-related condition. Last evaluated: 2020-10-21. Review status: no assertion criteria provided. Collection method: clinical testing. Allele origin: germline. Not counted in ClinVar's aggregate classification.
Comment: This variant is classified as likely benign based on ACMG/AMP sequence variant interpretation guidelines (Richards et al. 2015 PMID: 25741868, with internal and published modifications).

NM_000534.5(PMS1):c.418+70del

Gene: PMS1 (PMS1 homolog 1, mismatch repair system component; plus strand). Cytogenetic location: 2q32.2.
Variant type: Deletion.
Coding change: c.418+70del on transcript NM_000534.5 (MANE Select); 70 bases into the intron after coding-DNA position 418, one base deleted (A; older notation c.418+70delA).
Molecular consequence: intron variant. On other transcripts: frameshift variant (1).
Genome position (GRCh38, 1-based): chr2:189,805,824, A deleted; the last of 11 consecutive A bases (chr2:189,805,814-189,805,824); deleting any one gives the same sequence. VCF-style (leftmost placement, unchanged base first): chr2-189805813-TA-T. GRCh37 (hg19) VCF-style: chr2-190670539-TA-T.
Other names: c.488del, p.Lys163fs (NM_001321049.2); c.418+70del (NM_001321047.2, NM_001321045.2, NM_001128144.2 and 4 more transcripts); c.-111+9873del (NM_001289408.2); c.235+70del (NM_001321046.2); c.-110-12193del (NM_001289409.2); short protein forms K163fs.
Identifiers: ClinVar variation 3058885 (VCV003058885.3), dbSNP rs3214425, ClinGen allele CA2026395.